The following is an entry in ClinVar:

ClinVar aggregate classification (germline): Uncertain significance. Review status: criteria provided, multiple submitters, no conflicts (2 of 4 stars). 2 submissions from 2 submitters: Uncertain significance (2). Last evaluated 2025-05-24.

Conditions:
Sialuria. Also called: SIALURIA, FRENCH TYPE; Sialic Acid Storage Disease. Identifiers: Orphanet 3166, MedGen C0342853, MONDO:0010028, OMIM 269921.
GNE myopathy (NM). Also called: IBM 2; Inclusion body myopathy autosomal recessive; Inclusion body myopathy quadriceps sparing; NONAKA DISTAL MYOPATHY; INCLUSION BODY MYOPATHY, HEREDITARY, AUTOSOMAL RECESSIVE; INCLUSION BODY MYOPATHY 2, AUTOSOMAL RECESSIVE. Identifiers: Orphanet 602, MedGen C1853926, MONDO:0011603, OMIM 605820.

gnomAD v4.1: 13 of 1,613,824 alleles (0.00081%); highest among the groups gnomAD compares: Non-Finnish European, 0.0011%; no homozygotes.

Submissions (2):

Labcorp Genetics (formerly Invitae), Labcorp
Classification: Uncertain significance for Sialuria; GNE myopathy. Last evaluated: 2025-05-24. Review status: criteria provided, single submitter. Criteria: Invitae Variant Classification Sherloc (09022015). Collection method: clinical testing. Allele origin: germline.
Comment: This sequence change replaces arginine, which is basic and polar, with glycine, which is neutral and non-polar, at codon 39 of the GNE protein (p.Arg39Gly). This variant is not present in population databases (gnomAD no frequency). This variant has not been reported in the literature in individuals affected with GNE-related conditions. Invitae Evidence Modeling of protein sequence and biophysical properties (such as structural, functional, and spatial information, amino acid conservation, physicochemical variation, residue mobility, and thermodynamic stability) has been performed for this missense variant. However, the output from this modeling did not meet the statistical confidence thresholds required to predict the impact of this variant on GNE protein function. In summary, the available evidence is currently insufficient to determine the role of this variant in disease. Therefore, it has been classified as a Variant of Uncertain Significance.

Revvity Omics, Revvity
Classification: Uncertain significance. Last evaluated: 2024-02-05. Review status: criteria provided, single submitter. Criteria: ACMG Guidelines, 2015. Collection method: clinical testing. Allele origin: germline.

NM_005476.7(GNE):c.22C>G (p.Arg8Gly)

Gene: GNE (glucosamine (UDP-N-acetyl)-2-epimerase/N-acetylmannosamine kinase; minus strand). Cytogenetic location: 9p13.3.
Variant type: single nucleotide variant.
Coding change: c.22C>G on transcript NM_005476.7 (MANE Select); coding-DNA position 22, C replaced by G.
Protein change: p.Arg8Gly; replaces arginine 8 with glycine.
Molecular consequence: missense variant. On other transcripts: intron variant (3).
Genome position (GRCh38, 1-based): chr9:36,249,334, G>C on the plus strand (C>G on the coding strand, the complement: GNE is on the minus strand). VCF-style: chr9-36249334-G-C. GRCh37 (hg19) VCF-style: chr9-36249331-G-C.
Other names: c.22C>G, p.Arg8Gly (NM_001374797.1, NM_001190383.3); c.-13-2852C>G (NM_001190388.2, NM_001190384.3, NM_001374798.1); c.115C>G, p.Arg39Gly (NM_001128227.3); short protein forms R39G, R8G.
Identifiers: ClinVar variation 4078806 (VCV004078806.2).